The following is an entry in ClinVar:

NM_006017.3(PROM1):c.559A>G (p.Ile187Val)

Gene: PROM1 (prominin 1; minus strand). Cytogenetic location: 4p15.32.
Variant type: single nucleotide variant.
Coding change: c.559A>G on transcript NM_006017.3 (MANE Select); coding-DNA position 559, A replaced by G.
Protein change: p.Ile187Val; replaces isoleucine 187 with valine.
Molecular consequence: missense variant.
Genome position (GRCh38, 1-based): chr4:16,025,263, T>C on the plus strand (A>G on the coding strand, the complement: PROM1 is on the minus strand). VCF-style: chr4-16025263-T-C. GRCh37 (hg19) VCF-style: chr4-16026886-T-C.
Other names: c.532A>G, p.Ile178Val (NM_001145847.2, NM_001145848.2, NM_001145851.2 and 4 more transcripts); c.559A>G, p.Ile187Val (NM_001145849.2, NM_001145850.2); c.559A>G (NM_006017.2); short protein forms I178V, I187V.
Identifiers: ClinVar variation 1005243 (VCV001005243.9), dbSNP rs376885208, ClinGen allele CA2867043.
Genomic context (GRCh38, chr4:16,025,263, plus strand): 5'-CATTCAAGAGAGTTCGCAAGTCCTTGAAATTGCTATCTGCCAGTTTCCGACTCCTTTTGA[T>C]CCGGGTTCTTACCTGGTGATTTGCCACAAAACCATAGAAGATGCCAATGCTGCAGGAAAA-3'
Protein context (NP_006008.1, residues 177-197): FVANHQVRTR[Ile187Val]KRSRKLADSN

ClinVar aggregate classification (germline): Uncertain significance. Review status: criteria provided, multiple submitters, no conflicts (2 of 4 stars). 2 submissions from 2 submitters: Uncertain significance (2). Last evaluated 2023-11-03.

Conditions:
Inborn genetic diseases. Identifiers: MedGen C0950123, MeSH D030342.

Allele frequency attached by ClinVar (database versions not stated): ExAC 0.00001; gnomAD exomes 0.00001; ESP Exome Variant Server 0.00008.
gnomAD v4.1: 5 of 1,613,830 alleles (0.00031%); highest among the groups gnomAD compares: Admixed American, 0.0033%; no homozygotes.

Submissions (2):

Ambry Genetics
Classification: Uncertain significance for Inborn genetic diseases. Last evaluated: 2023-11-03. Review status: criteria provided, single submitter. Criteria: Ambry Variant Classification Scheme 2023. Collection method: clinical testing. Allele origin: germline.

Labcorp Genetics (formerly Invitae), Labcorp
Classification: Uncertain significance. Last evaluated: 2020-01-10. Review status: criteria provided, single submitter. Criteria: Invitae Variant Classification Sherloc (09022015). Collection method: clinical testing. Allele origin: germline.
Comment: In summary, the available evidence is currently insufficient to determine the role of this variant in disease. Therefore, it has been classified as a Variant of Uncertain Significance. Algorithms developed to predict the effect of missense changes on protein structure and function output the following: SIFT: "Tolerated"; PolyPhen-2: "Benign"; Align-GVGD: "Class C0". The valine amino acid residue is found in multiple mammalian species, suggesting that this missense change does not adversely affect protein function. These predictions have not been confirmed by published functional studies and their clinical significance is uncertain. This variant has not been reported in the literature in individuals with PROM1-related conditions. This variant is present in population databases (rs376885208, ExAC 0.001%). This sequence change replaces isoleucine with valine at codon 187 of the PROM1 protein (p.Ile187Val). The isoleucine residue is moderately conserved and there is a small physicochemical difference between isoleucine and valine.